The following is an entry in ClinVar:

NM_018297.4(NGLY1):c.1014G>C (p.Trp338Cys)

Gene: NGLY1 (N-glycanase 1; minus strand). Cytogenetic location: 3p24.2.
Variant type: single nucleotide variant.
Coding change: c.1014G>C on transcript NM_018297.4 (MANE Select); coding-DNA position 1014, G replaced by C.
Protein change: p.Trp338Cys; replaces tryptophan 338 with cysteine.
Molecular consequence: missense variant. On other transcripts: intron variant (1).
Genome position (GRCh38, 1-based): chr3:25,736,139, C>G on the plus strand (G>C on the coding strand, the complement: NGLY1 is on the minus strand). VCF-style: chr3-25736139-C-G. GRCh37 (hg19) VCF-style: chr3-25777630-C-G.
Other names: c.888G>C, p.Trp296Cys (NM_001145294.2); c.1014G>C, p.Trp338Cys (NM_001145295.2); c.1095+170G>C (NM_001145293.2); short protein forms W338C, W296C.
Identifiers: ClinVar variation 2071958 (VCV002071958.4), dbSNP rs915412085, ClinGen allele CA351901025.

ClinVar aggregate classification (germline): Uncertain significance (1 of 4 stars; one submission).

Conditions:
Congenital disorder of deglycosylation (CDDG). Identifiers: MedGen C3808991, MONDO:0031376.

gnomAD v4.1: 1 of 1,612,662 alleles (0.000062%); highest among the groups gnomAD compares: East Asian, 0.0022%; no homozygotes.

Submission:

Labcorp Genetics (formerly Invitae), Labcorp
Classification: Uncertain significance for Congenital disorder of deglycosylation. Last evaluated: 2022-01-03. Review status: criteria provided, single submitter. Criteria: Invitae Variant Classification Sherloc (09022015). Collection method: clinical testing. Allele origin: germline.
Comment: This variant has not been reported in the literature in individuals affected with NGLY1-related conditions. In summary, the available evidence is currently insufficient to determine the role of this variant in disease. Therefore, it has been classified as a Variant of Uncertain Significance. Algorithms developed to predict the effect of missense changes on protein structure and function (SIFT, PolyPhen-2, Align-GVGD) all suggest that this variant is likely to be disruptive. This variant is not present in population databases (gnomAD no frequency). This sequence change replaces tryptophan, which is neutral and slightly polar, with cysteine, which is neutral and slightly polar, at codon 338 of the NGLY1 protein (p.Trp338Cys).